The following is an entry in ClinVar:

ClinVar aggregate classification (germline): Likely benign (1 of 4 stars; one submission).

Submission:

CeGaT Center for Human Genetics Tuebingen
Classification: Likely benign. Last evaluated: 2026-04-01. Review status: criteria provided, single submitter. Criteria: CeGaT Center For Human Genetics Tuebingen Variant Classification Criteria Version 2. Collection method: clinical testing. Allele origin: germline. Affected: yes. Observed: 1 variant allele.
Comment: MAGEC1: BP4, BS2

NM_005462.5(MAGEC1):c.485T>C (p.Val162Ala)

Gene: MAGEC1 (MAGE family member C1; plus strand). Cytogenetic location: Xq27.2.
Variant type: single nucleotide variant.
Coding change: c.485T>C on transcript NM_005462.5 (MANE Select); coding-DNA position 485, T replaced by C.
Protein change: p.Val162Ala; replaces valine 162 with alanine.
Molecular consequence: missense variant.
Genome position (GRCh38, 1-based): chrX:141,905,889, T>C. VCF-style: chrX-141905889-T-C. GRCh37 (hg19) VCF-style: chrX-140993675-T-C.
Other names: short protein forms V162A.
Identifiers: ClinVar variation 4872114 (VCV004872114.2).